The following is an entry in ClinVar:

ClinVar aggregate classification (germline): Likely benign. Review status: criteria provided, multiple submitters, no conflicts (2 of 4 stars). 2 submissions from 2 submitters: Likely benign (2). Last evaluated 2025-02-01.

Submissions (4):

CeGaT Center for Human Genetics Tuebingen
Classification: Likely benign. Last evaluated: 2025-02-01. Review status: criteria provided, single submitter. Criteria: CeGaT Center For Human Genetics Tuebingen Variant Classification Criteria Version 2. Collection method: clinical testing. Allele origin: germline. Affected: yes. Observed: 1 variant allele.
Comment: PAPLN: BS2

Blueprint Genetics
Classification: Likely benign. Last evaluated: 2024-11-27. Review status: criteria provided, single submitter. Criteria: ACMG Guidelines, 2015. Collection method: clinical testing. Allele origin: germline.

Dr. Peter K. Rogan Lab, Western University
No classification provided (evidence only). Condition: Colon adenocarcinoma. Review status: no classification provided. Collection method: in vitro. Allele origin: not applicable. Functional consequence: retained intron. Not counted in ClinVar's aggregate classification.

Dr. Peter K. Rogan Lab, Western University
No classification provided (evidence only). Condition: Gastric cancer. Review status: no classification provided. Collection method: in vitro. Allele origin: not applicable. Functional consequence: retained intron. Not counted in ClinVar's aggregate classification.

NM_001365906.3(PAPLN):c.2987-2_2987-1del

Gene: PAPLN (papilin, proteoglycan like sulfated glycoprotein; plus strand). Cytogenetic location: 14q24.2.
Variant type: Deletion.
Coding change: c.2987-2_2987-1del on transcript NM_001365906.3 (MANE Select); the canonical splice acceptor site of the intron before coding-DNA position 2987, 2 bases deleted (AG; older notation c.2987-2_2987-1delAG).
Molecular consequence: splice acceptor variant.
Genome position (GRCh38, 1-based): chr14:73,264,586-73,264,587, AG deleted. VCF-style (leftmost placement, unchanged base first): chr14-73264585-CAG-C. GRCh37 (hg19) VCF-style: chr14-73731293-CAG-C.
Other names: NC_000014.8:g.73731294_73731295del; c.2906-2_2906-1del (NM_173462.4); c.2939-2_2939-1del (NM_001365907.2).
Identifiers: ClinVar variation 3770394 (VCV003770394.14).